The following is an entry in ClinVar:

ClinVar aggregate classification (germline): Uncertain significance (1 of 4 stars; one submission).

Conditions:
Schimke immuno-osseous dysplasia (SIOD). Also called: Schimke Immunoosseous Dysplasia. Identifiers: Orphanet 1830, MedGen C0877024, MONDO:0009458, OMIM 242900.

Allele frequency attached by ClinVar (database versions not stated): gnomAD exomes below 0.00001.
gnomAD v4.1: 1 of 1,614,228 alleles (0.000062%); highest among the groups gnomAD compares: Admixed American, 0.0017%; no homozygotes.

Submission:

Labcorp Genetics (formerly Invitae), Labcorp
Classification: Uncertain significance for Schimke immuno-osseous dysplasia. Last evaluated: 2022-07-30. Review status: criteria provided, single submitter. Criteria: Invitae Variant Classification Sherloc (09022015). Collection method: clinical testing. Allele origin: germline.
Comment: In summary, the available evidence is currently insufficient to determine the role of this variant in disease. Therefore, it has been classified as a Variant of Uncertain Significance. Algorithms developed to predict the effect of missense changes on protein structure and function output the following: SIFT: "Tolerated"; PolyPhen-2: "Benign"; Align-GVGD: "Class C0". The arginine amino acid residue is found in multiple mammalian species, which suggests that this missense change does not adversely affect protein function. This variant has not been reported in the literature in individuals affected with SMARCAL1-related conditions. This variant is present in population databases (no rsID available, gnomAD 0.003%). This sequence change replaces glutamine, which is neutral and polar, with arginine, which is basic and polar, at codon 770 of the SMARCAL1 protein (p.Gln770Arg).

NM_014140.4(SMARCAL1):c.2309A>G (p.Gln770Arg)

Gene: SMARCAL1 (SNF2 related chromatin remodeling annealing helicase 1; plus strand). Cytogenetic location: 2q35.
Variant type: single nucleotide variant.
Coding change: c.2309A>G on transcript NM_014140.4 (MANE Select); coding-DNA position 2309, A replaced by G.
Protein change: p.Gln770Arg; replaces glutamine 770 with arginine.
Molecular consequence: missense variant.
Genome position (GRCh38, 1-based): chr2:216,475,333, A>G. VCF-style: chr2-216475333-A-G. GRCh37 (hg19) VCF-style: chr2-217340056-A-G.
Other names: c.2309A>G, p.Gln770Arg (NM_001127207.2); short protein forms Q770R.
Identifiers: ClinVar variation 1936791 (VCV001936791.4), dbSNP rs1353593663, ClinGen allele CA350504048.
Genomic context (GRCh38, chr2:216,475,333, plus strand): 5'-TGCAGCACATCCGCATCGATGGCTCCACCTCATCAGCTGAGCGGGAGGACCTGTGCCAGC[A>G]GTTCCAACTGTCGGAGAGGCATGCTGTGGCCGTGCTGTCCATCACCGCTGCCAATATGGG-3'
Protein context (NP_054859.2, residues 760-780): SSAEREDLCQ[Gln770Arg]FQLSERHAVA